The following is an entry in ClinVar:

ClinVar aggregate classification (germline): Pathogenic (1 of 4 stars; one submission).

Conditions:
Mitochondrial trifunctional protein deficiency. Identifiers: Orphanet 746, MedGen C1969443, MONDO:0012172.
Long chain 3-hydroxyacyl-CoA dehydrogenase deficiency. Also called: Deficiency of long-chain 3-hydroxyacyl-coenzyme A dehydrogenase; LCHAD Deficiency. Identifiers: Orphanet 5, MedGen C3711645, MONDO:0012173, OMIM 609016.

Submission:

Labcorp Genetics (formerly Invitae), Labcorp
Classification: Pathogenic for Mitochondrial trifunctional protein deficiency; Long chain 3-hydroxyacyl-CoA dehydrogenase deficiency. Last evaluated: 2022-05-13. Review status: criteria provided, single submitter. Criteria: Invitae Variant Classification Sherloc (09022015). Collection method: clinical testing. Allele origin: germline.
Comment: This variant has not been reported in the literature in individuals affected with HADHA-related conditions. This sequence change creates a premature translational stop signal (p.Val404Cysfs*5) in the HADHA gene. It is expected to result in an absent or disrupted protein product. Loss-of-function variants in HADHA are known to be pathogenic (PMID: 7738175, 21103935, 21549624, 22459206). This variant is not present in population databases (gnomAD no frequency). For these reasons, this variant has been classified as Pathogenic.

Literature cited by the submitters: PubMed 7738175; PubMed 21103935; PubMed 21549624; PubMed 22459206.

NM_000182.5(HADHA):c.1209del (p.Val404fs)

Genes: HADHA (hydroxyacyl-CoA dehydrogenase trifunctional multienzyme complex subunit alpha; minus strand), GAREM2 (GRB2 associated regulator of MAPK1 subtype 2; plus strand). Cytogenetic location: 2p23.3.
Variant type: Deletion.
Coding change: c.1209del on transcript NM_000182.5 (MANE Select); coding-DNA position 1209, one base deleted (A; older notation c.1209delA).
Protein change: p.Val404fs; shifts the reading frame from valine 404.
Molecular consequence: frameshift variant.
Genome position (GRCh38, 1-based): chr2:26,204,073, T deleted on the plus strand (A on the coding strand, the reverse complement: HADHA is on the minus strand); the first of 2 consecutive T bases (chr2:26,204,073-26,204,074); deleting either gives the same sequence. VCF-style (leftmost placement, unchanged base first): chr2-26204072-CT-C. GRCh37 (hg19) VCF-style: chr2-26426941-CT-C.
Other names: short protein forms V404fs.
Identifiers: ClinVar variation 2134388 (VCV002134388.4), dbSNP rs1669916953, ClinGen allele CA1239706386.